The following is an entry in ClinVar:

NM_001366385.1(CARD14):c.2626G>A (p.Glu876Lys)

Genes: CARD14 (caspase recruitment domain family member 14; plus strand), SGSH (N-sulfoglucosamine sulfohydrolase; minus strand), LOC126862662 (MED14-independent group 3 enhancer GRCh37_chr17:78178385-78179584; plus strand). Cytogenetic location: 17q25.3.
Variant type: single nucleotide variant.
Coding change: c.2626G>A on transcript NM_001366385.1 (MANE Select); coding-DNA position 2626, G replaced by A.
Protein change: p.Glu876Lys; replaces glutamic acid 876 with lysine.
Molecular consequence: missense variant. On other transcripts: non-coding transcript variant (1).
Genome position (GRCh38, 1-based): chr17:80,205,587, G>A. VCF-style: chr17-80205587-G-A. GRCh37 (hg19) VCF-style: chr17-78179386-G-A.
Other names: c.2626G>A, p.Glu876Lys (NM_024110.4); short protein forms E876K.
Identifiers: ClinVar variation 2052561 (VCV002052561.5), dbSNP rs746358733, ClinGen allele CA8817392.

ClinVar aggregate classification (germline): Uncertain significance. Review status: criteria provided, multiple submitters, no conflicts (2 of 4 stars). 2 submissions from 2 submitters: Uncertain significance (2). Last evaluated 2025-11-19.

Conditions:
Pityriasis rubra pilaris (PRP). Also called: Pityriasis rubra pilaris--familial type. Identifiers: Orphanet 2897, MedGen C0032027, MONDO:0100017, OMIM 173200, MONDO:0008251.
Psoriasis 2. Identifiers: MedGen C1864497, MONDO:0011269, OMIM 602723.

gnomAD v4.1: 65 of 1,576,116 alleles (0.0041%); highest among the groups gnomAD compares: Non-Finnish European, 0.0054%; no homozygotes.

Submissions (2):

Women's Health and Genetics/Laboratory Corporation of America, LabCorp
Classification: Uncertain significance. Last evaluated: 2025-11-19. Review status: criteria provided, single submitter. Criteria: LabCorp Variant Classification Summary - May 2015. Collection method: clinical testing. Allele origin: germline.
Comment: Variant summary: CARD14 c.2626G>A (p.Glu876Lys) results in a conservative amino acid change in the encoded protein sequence. Algorithms developed to predict the effect of missense changes on protein structure and function are either unavailable or do not agree on the potential impact of this missense change. The variant allele was found at a frequency of 2.7e-05 in 187684 control chromosomes. The available data on variant occurrences in the general population are insufficient to allow any conclusion about variant significance. To our knowledge, no occurrence of c.2626G>A in individuals affected with CARD14-related conditions and no experimental evidence demonstrating its impact on protein function have been reported. ClinVar contains an entry for this variant (Variation ID: 2052561). Based on the evidence outlined above, the variant was classified as uncertain significance.

Labcorp Genetics (formerly Invitae), Labcorp
Classification: Uncertain significance for Pityriasis rubra pilaris; Psoriasis 2. Last evaluated: 2025-09-29. Review status: criteria provided, single submitter. Criteria: Invitae Variant Classification Sherloc (09022015). Collection method: clinical testing. Allele origin: germline.
Comment: This sequence change replaces glutamic acid, which is acidic and polar, with lysine, which is basic and polar, at codon 876 of the CARD14 protein (p.Glu876Lys). This variant is present in population databases (rs746358733, gnomAD 0.008%). This variant has not been reported in the literature in individuals affected with CARD14-related conditions. ClinVar contains an entry for this variant (Variation ID: 2052561). Invitae Evidence Modeling of protein sequence and biophysical properties (such as structural, functional, and spatial information, amino acid conservation, physicochemical variation, residue mobility, and thermodynamic stability) has been performed for this missense variant. However, the output from this modeling did not meet the statistical confidence thresholds required to predict the impact of this variant on CARD14 protein function. In summary, the available evidence is currently insufficient to determine the role of this variant in disease. Therefore, it has been classified as a Variant of Uncertain Significance.